The following is an entry in ClinVar:

ClinVar aggregate classification (germline): Benign/Likely benign. Review status: criteria provided, multiple submitters, no conflicts (2 of 4 stars). 14 submissions from 14 submitters: Benign (8); Likely benign (5). 1 of the submissions does not count toward it. Last evaluated 2026-02-04.

Conditions:
POLD1-related polyposis and colorectal cancer syndrome (CRCS10). Also called: Colorectal cancer 10; Colorectal cancer, susceptibility to, 10; COLORECTAL CANCER, SUSCEPTIBILITY TO, ON CHROMOSOME 19q. Identifiers: Orphanet 220460, MedGen C2675481, MONDO:0012953, OMIM 612591.
Immunodeficiency 120. Identifiers: MedGen C5935622, MONDO:0970994, OMIM 620836.
Mandibular hypoplasia-deafness-progeroid syndrome. Also called: Mandibular hypoplasia, deafness, progeroid features, and lipodystrophy syndrome. Identifiers: Orphanet 363649, MedGen C3715192, MONDO:0014157, OMIM 615381.
Hereditary cancer-predisposing syndrome. Also called: Neoplastic Syndromes, Hereditary; Hereditary neoplastic syndrome; Tumor predisposition; Hereditary Cancer Syndrome. Identifiers: Orphanet 140162, MedGen C0027672, MeSH D009386, MONDO:0015356.

Allele frequency attached by ClinVar (database versions not stated): ExAC 0.00130; gnomAD 0.00296; ESP Exome Variant Server 0.00323; TOPMed 0.00324; gnomAD exomes 0.00081; 1000 Genomes Project 0.00339; 1000 Genomes Project 30x 0.00344.
gnomAD v4.1: 836 of 1,612,368 alleles (0.052%); highest among the groups gnomAD compares: African/African-American, 0.95%; 1 homozygote.

Submissions (14):

Labcorp Genetics (formerly Invitae), Labcorp
Classification: Benign for POLD1-related polyposis and colorectal cancer syndrome. Last evaluated: 2026-02-04. Review status: criteria provided, single submitter. Criteria: Invitae Variant Classification Sherloc (09022015). Collection method: clinical testing. Allele origin: germline.

CeGaT Center for Human Genetics Tuebingen
Classification: Likely benign. Last evaluated: 2025-06-01. Review status: criteria provided, single submitter. Criteria: CeGaT Center For Human Genetics Tuebingen Variant Classification Criteria Version 2. Collection method: clinical testing. Allele origin: germline. Affected: yes. Observed: 3 variant alleles.
Comment: POLD1: BP4, BP7

Center for Genomic Medicine, Rigshospitalet, Copenhagen University Hospital
Classification: Benign. Last evaluated: 2025-03-04. Review status: criteria provided, single submitter. Criteria: ACMG Guidelines, 2015. Collection method: clinical testing. Allele origin: germline.

Department of Pathology and Laboratory Medicine, Sinai Health System
Classification: Likely benign for POLD1-related polyposis and colorectal cancer syndrome; Mandibular hypoplasia-deafness-progeroid syndrome; Immunodeficiency 120. Last evaluated: 2025-01-09. Review status: criteria provided, single submitter. Criteria: ACMG Guidelines, 2015. Collection method: clinical testing. Allele origin: germline.

Blueprint Genetics
Classification: Likely benign. Last evaluated: 2024-11-13. Review status: criteria provided, single submitter. Criteria: ACMG Guidelines, 2015. Collection method: clinical testing. Allele origin: germline.

KCCC/NGS Laboratory, Kuwait Cancer Control Center
Classification: Benign for POLD1-related polyposis and colorectal cancer syndrome. Last evaluated: 2023-07-07. Review status: criteria provided, single submitter. Criteria: ACMG Guidelines, 2015. Collection method: clinical testing. Allele origin: germline. Affected: yes.

Women's Health and Genetics/Laboratory Corporation of America, LabCorp
Classification: Benign. Last evaluated: 2022-01-29. Review status: criteria provided, single submitter. Criteria: LabCorp Variant Classification Summary - May 2015. Collection method: clinical testing. Allele origin: germline.

Fulgent Genetics
Classification: Likely benign for POLD1-related polyposis and colorectal cancer syndrome; Mandibular hypoplasia-deafness-progeroid syndrome. Last evaluated: 2021-07-15. Review status: criteria provided, single submitter. Criteria: ACMG Guidelines, 2015. Collection method: clinical testing. Allele origin: unknown.

Quest Diagnostics Nichols Institute San Juan Capistrano
Classification: Benign. Last evaluated: 2018-02-19. Review status: criteria provided, single submitter. Criteria: Quest Diagnostics criteria. Collection method: clinical testing. Allele origin: unknown.

GeneDx
Classification: Benign. Last evaluated: 2018-01-23. Review status: criteria provided, single submitter. Criteria: GeneDx Variant Classification (06012015). Collection method: clinical testing. Allele origin: germline. Affected: yes.
Comment: This variant is considered likely benign or benign based on one or more of the following criteria: it is a conservative change, it occurs at a poorly conserved position in the protein, it is predicted to be benign by multiple in silico algorithms, and/or has population frequency not consistent with disease.

Genetic Services Laboratory, University of Chicago
Classification: Benign. Last evaluated: 2017-11-08. Review status: criteria provided, single submitter. Criteria: ACMG Guidelines, 2015. Collection method: clinical testing. Allele origin: germline. Affected: no.

PreventionGenetics, part of Exact Sciences
Classification: Benign. Last evaluated: 2017-09-15. Review status: criteria provided, single submitter. Criteria: ACMG Guidelines, 2015. Collection method: clinical testing. Allele origin: germline.

Ambry Genetics
Classification: Likely benign for Hereditary cancer-predisposing syndrome. Last evaluated: 2015-06-25. Review status: criteria provided, single submitter. Criteria: Ambry Variant Classification Scheme 2023. Collection method: clinical testing. Allele origin: germline.

True Health Diagnostics
Classification: Likely benign for Hereditary cancer-predisposing syndrome. Last evaluated: 2018-01-05. Review status: no assertion criteria provided. Collection method: clinical testing. Allele origin: germline. Not counted in ClinVar's aggregate classification.

NM_002691.4(POLD1):c.783C>T (p.Val261=)

Gene: POLD1 (DNA polymerase delta 1, catalytic subunit; plus strand). Cytogenetic location: 19q13.33.
Variant type: single nucleotide variant.
Coding change: c.783C>T on transcript NM_002691.4 (MANE Select); coding-DNA position 783, C replaced by T.
Protein change: p.Val261=; no amino-acid change (valine 261 retained).
Molecular consequence: synonymous variant. On other transcripts: non-coding transcript variant (1).
Genome position (GRCh38, 1-based): chr19:50,402,478, C>T. VCF-style: chr19-50402478-C-T. GRCh37 (hg19) VCF-style: chr19-50905735-C-T.
Other names: c.783C>T, p.Val261= (NM_001256849.1, NM_001308632.1).
Identifiers: ClinVar variation 381833 (VCV000381833.56), dbSNP rs34269084, ClinGen allele CA9595905.
Genomic context (GRCh38, chr19:50,402,478, plus strand): 5'-GGCAGCCCCTGTCCACTGACCCCCAGCCCCCTCCAGGTTCATGGTGGACACGGACATCGT[C>T]GGCTGCAACTGGCTGGAGCTCCCAGCTGGGAAATACGCCCTGAGGCTGAAGGAGAAGGTG-3'
Protein context (NP_002682.2, residues 251-271): EIRFMVDTDI[Val261=]GCNWLELPAG